The following is an entry in ClinVar:

ClinVar aggregate classification (germline): Likely benign (1 of 4 stars; one submission).

Allele frequency attached by ClinVar (database versions not stated): gnomAD exomes below 0.00001.
gnomAD v4.1: 1 of 1,613,972 alleles (0.000062%); highest among the groups gnomAD compares: Non-Finnish European, 0.000085%; no homozygotes.

Submission:

GeneDx
Classification: Likely benign. Last evaluated: 2018-04-04. Review status: criteria provided, single submitter. Criteria: GeneDx Variant Classification (06012015). Collection method: clinical testing. Allele origin: germline. Affected: yes.
Comment: This variant is considered likely benign or benign based on one or more of the following criteria: it is a conservative change, it occurs at a poorly conserved position in the protein, it is predicted to be benign by multiple in silico algorithms, and/or has population frequency not consistent with disease.

NM_001267550.2(TTN):c.87286A>G (p.Thr29096Ala)

Genes: TTN (titin; minus strand), TTN-AS1 (TTN antisense RNA 1; plus strand). Cytogenetic location: 2q31.2.
Variant type: single nucleotide variant.
Coding change: c.87286A>G on transcript NM_001267550.2 (MANE Select); coding-DNA position 87286, A replaced by G.
Protein change: p.Thr29096Ala; replaces threonine 29096 with alanine.
Molecular consequence: missense variant.
Genome position (GRCh38, 1-based): chr2:178,558,068, T>C on the plus strand (A>G on the coding strand, the complement: TTN is on the minus strand). VCF-style: chr2-178558068-T-C. GRCh37 (hg19) VCF-style: chr2-179422795-T-C.
Other names: c.82363A>G, p.Thr27455Ala (NM_001256850.1); c.60091A>G, p.Thr20031Ala (NM_003319.4); c.79582A>G, p.Thr26528Ala (NM_133378.4); c.60466A>G, p.Thr20156Ala (NM_133432.3); c.60667A>G, p.Thr20223Ala (NM_133437.4); short protein forms T20031A, T20156A, T20223A, T26528A, T27455A, T29096A.
Identifiers: ClinVar variation 680390 (VCV000680390.1), dbSNP rs1575589104, ClinGen allele CA349537488.